The following is an entry in ClinVar:

NM_014629.4(ARHGEF10):c.1113C>T (p.Phe371=)

Gene: ARHGEF10 (Rho guanine nucleotide exchange factor 10; plus strand). Cytogenetic location: 8p23.3.
Variant type: single nucleotide variant.
Coding change: c.1113C>T on transcript NM_014629.4 (MANE Select); coding-DNA position 1113, C replaced by T.
Protein change: p.Phe371=; no amino-acid change (phenylalanine 371 retained).
Molecular consequence: synonymous variant.
Genome position (GRCh38, 1-based): chr8:1,885,638, C>T. VCF-style: chr8-1885638-C-T. GRCh37 (hg19) VCF-style: chr8-1833804-C-T.
Other names: c.999C>T, p.Phe333= (NM_001308152.2); c.1116C>T, p.Phe372= (NM_001308153.3).
Identifiers: ClinVar variation 618537 (VCV000618537.21), dbSNP rs34655804, ClinGen allele CA4600218.

ClinVar aggregate classification (germline): Benign. Review status: criteria provided, multiple submitters, no conflicts (2 of 4 stars). 5 submissions from 5 submitters: Benign (4). 1 of the submissions does not count toward it. Last evaluated 2026-02-02.

Conditions:
ARHGEF10-related disorder. Also called: ARHGEF10-related condition.
Autosomal dominant slowed nerve conduction velocity. Identifiers: Orphanet 140481, MedGen C1842357, MONDO:0011998, OMIM 608236.

Allele frequency attached by ClinVar (database versions not stated): gnomAD exomes 0.00451 and 0.01179; 1000 Genomes Project 0.04593; 1000 Genomes Project 30x 0.04763; ESP Exome Variant Server 0.05105; ExAC 0.01497; gnomAD 0.04400 and 0.04733; TOPMed 0.05056.
gnomAD v4.1: 13,553 of 1,613,664 alleles (0.84%); highest among the groups gnomAD compares: African/African-American, 16%; 962 homozygotes.

Submissions (5):

Labcorp Genetics (formerly Invitae), Labcorp
Classification: Benign. Last evaluated: 2026-02-02. Review status: criteria provided, single submitter. Criteria: Invitae Variant Classification Sherloc (09022015). Collection method: clinical testing. Allele origin: germline.

ARUP Laboratories, Molecular Genetics and Genomics, ARUP Laboratories
Classification: Benign for Autosomal dominant slowed nerve conduction velocity. Last evaluated: 2023-11-22. Review status: criteria provided, single submitter. Criteria: ARUP Molecular Germline Variant Investigation Process 2024. Collection method: clinical testing. Allele origin: germline.

GeneDx
Classification: Benign. Last evaluated: 2021-05-04. Review status: criteria provided, single submitter. Criteria: GeneDx Variant Classification Process June 2021. Collection method: clinical testing. Allele origin: germline. Affected: yes.

Breakthrough Genomics
Classification: Benign. Review status: criteria provided, single submitter. Criteria: ACMG Guidelines, 2015. Collection method: not provided. Allele origin: germline. Inheritance: Autosomal dominant inheritance. Affected: yes.

PreventionGenetics, part of Exact Sciences
Classification: Benign for ARHGEF10-related condition. Last evaluated: 2019-03-21. Review status: no assertion criteria provided. Collection method: clinical testing. Allele origin: germline. Not counted in ClinVar's aggregate classification.
Comment: This variant is classified as benign based on ACMG/AMP sequence variant interpretation guidelines (Richards et al. 2015 PMID: 25741868, with internal and published modifications).